The following is an entry in ClinVar:

ClinVar aggregate classification (germline): Pathogenic (1 of 4 stars; one submission).

Conditions:
X-linked severe combined immunodeficiency (SCIDX1). Also called: X-Linked Combined Immunodeficiency Diseases; IMMUNODEFICIENCY 4; SCID, X-LINKED; SEVERE COMBINED IMMUNODEFICIENCY, X-LINKED, T CELL-NEGATIVE, B CELL-POSITIVE, NK CELL-NEGATIVE; T-B+ severe combined immunodeficiency due to gamma chain deficiency. Identifiers: Orphanet 276, MedGen C6022468, MONDO:0010315, OMIM 300400. Disease mechanism: loss of function.

Submission:

Labcorp Genetics (formerly Invitae), Labcorp
Classification: Pathogenic for X-linked severe combined immunodeficiency. Last evaluated: 2022-04-18. Review status: criteria provided, single submitter. Criteria: Invitae Variant Classification Sherloc (09022015). Collection method: clinical testing. Allele origin: germline.
Comment: For these reasons, this variant has been classified as Pathogenic. This sequence change creates a premature translational stop signal (p.Leu277Serfs*17) in the IL2RG gene. While this is not anticipated to result in nonsense mediated decay, it is expected to disrupt the last 93 amino acid(s) of the IL2RG protein. This variant has not been reported in the literature in individuals affected with IL2RG-related conditions. This variant is not present in population databases (gnomAD no frequency). This variant disrupts a region of the IL2RG protein in which other variant(s) (p.Arg328*) have been determined to be pathogenic (PMID: 28747913, 30622570, 30778380, 31799703, 32499645; Invitae). This suggests that this is a clinically significant region of the protein, and that variants that disrupt it are likely to be disease-causing.

Literature cited by the submitters: PubMed 28747913; PubMed 30622570; PubMed 30778380; PubMed 31799703; PubMed 32499645.

NM_000206.3(IL2RG):c.829del (p.Leu277fs)

Gene: IL2RG (interleukin 2 receptor subunit gamma; minus strand). Cytogenetic location: Xq13.1.
Variant type: Deletion.
Coding change: c.829del on transcript NM_000206.3 (MANE Select); coding-DNA position 829, one base deleted (C; older notation c.829delC).
Protein change: p.Leu277fs; shifts the reading frame from leucine 277.
Molecular consequence: frameshift variant.
Genome position (GRCh38, 1-based): chrX:71,108,624, G deleted on the plus strand (C on the coding strand, the reverse complement: IL2RG is on the minus strand). VCF-style (leftmost placement, unchanged base first): chrX-71108623-AG-A. GRCh37 (hg19) VCF-style: chrX-70328473-AG-A.
Other names: short protein forms L277fs.
Identifiers: ClinVar variation 2127691 (VCV002127691.4), dbSNP rs2521703323, ClinGen allele CA2580101319.